The following is an entry in ClinVar:

NM_001164665.2(KIAA1549):c.1367T>C (p.Leu456Pro)

Gene: KIAA1549 (KIAA1549; minus strand). Cytogenetic location: 7q34.
Variant type: single nucleotide variant.
Coding change: c.1367T>C on transcript NM_001164665.2 (MANE Select); coding-DNA position 1367, T replaced by C.
Protein change: p.Leu456Pro; replaces leucine 456 with proline.
Molecular consequence: missense variant.
Genome position (GRCh38, 1-based): chr7:138,918,259, A>G on the plus strand (T>C on the coding strand, the complement: KIAA1549 is on the minus strand). VCF-style: chr7-138918259-A-G. GRCh37 (hg19) VCF-style: chr7-138603005-A-G.
Other names: c.1367T>C, p.Leu456Pro (NM_020910.3); short protein forms L456P.
Identifiers: ClinVar variation 1372382 (VCV001372382.6), dbSNP rs905085418, ClinGen allele CA167164045.

ClinVar aggregate classification (germline): Uncertain significance (1 of 4 stars; one submission).

gnomAD v4.1: 1 of 1,614,020 alleles (0.000062%); no homozygotes.

Submission:

Labcorp Genetics (formerly Invitae), Labcorp
Classification: Uncertain significance. Last evaluated: 2021-08-28. Review status: criteria provided, single submitter. Criteria: Invitae Variant Classification Sherloc (09022015). Collection method: clinical testing. Allele origin: germline.
Comment: In summary, the available evidence is currently insufficient to determine the role of this variant in disease. Therefore, it has been classified as a Variant of Uncertain Significance. Algorithms developed to predict the effect of missense changes on protein structure and function output the following: SIFT: "Tolerated"; PolyPhen-2: "Benign"; Align-GVGD: "Class C0". The proline amino acid residue is found in multiple mammalian species, which suggests that this missense change does not adversely affect protein function. This variant has not been reported in the literature in individuals affected with KIAA1549-related conditions. This variant is not present in population databases (ExAC no frequency). This sequence change replaces leucine with proline at codon 456 of the KIAA1549 protein (p.Leu456Pro). The leucine residue is weakly conserved and there is a moderate physicochemical difference between leucine and proline.